The following is an entry in ClinVar:

NM_001943.5(DSG2):c.2192A>C (p.Gln731Pro)

Genes: DSG2-AS1 (DSG2 antisense RNA 1; minus strand), DSG2 (desmoglein 2; plus strand). Cytogenetic location: 18q12.1.
Variant type: single nucleotide variant.
Coding change: c.2192A>C on transcript NM_001943.5 (MANE Select); coding-DNA position 2192, A replaced by C.
Protein change: p.Gln731Pro; replaces glutamine 731 with proline.
Molecular consequence: missense variant.
Genome position (GRCh38, 1-based): chr18:31,542,710, A>C. VCF-style: chr18-31542710-A-C. GRCh37 (hg19) VCF-style: chr18-29122673-A-C.
Other names: c.2192A>C (LRG_397t1); short protein forms Q731P.
Identifiers: ClinVar variation 222565 (VCV000222565.32), dbSNP rs202063433, ClinGen allele CA045161.

ClinVar aggregate classification (germline): Conflicting classifications of pathogenicity. Review status: criteria provided, conflicting classifications (1 of 4 stars). 10 submissions from 10 submitters: Uncertain significance (3); Likely benign (6). 1 of the submissions does not count toward it. Last evaluated 2026-04-27.

Conditions:
DSG2-related disorder. Also called: DSG2-related condition.
Cardiovascular phenotype. Identifiers: MedGen CN230736.
Cardiomyopathy (CMYO). Also called: Cardiomyopathies. Identifiers: Orphanet 167848, MedGen C0878544, MONDO:0004994, HP:0001638. Inheritance: Various modes of inheritance.
Arrhythmogenic right ventricular cardiomyopathy (ARVD). Also called: Arrhythmogenic cardiomyopathy; Arrhythmogenic Right Ventricular Cardiomyopathy (ARVC); Arrhythmogenic right ventricular dysplasia; Cardiomyopathy, ARVC. Identifiers: Orphanet 247, MedGen C0349788, MeSH D019571, MONDO:0016587. Disease mechanism: loss of function. Inheritance: Various modes of inheritance.
Arrhythmogenic right ventricular dysplasia 10. Also called: Arrhythmogenic right ventricular dysplasia/cardiomyopathy, type 10; Arrhythmogenic Right Ventricular Dysplasia/Cardiomyopathy10; ARRHYTHMOGENIC RIGHT VENTRICULAR DYSPLASIA, FAMILIAL, 10. Identifiers: MedGen C1857777, MONDO:0012434, OMIM 610193.

Allele frequency attached by ClinVar (database versions not stated): gnomAD exomes 0.00002 and 0.00007; ExAC 0.00007; ESP Exome Variant Server 0.00016; gnomAD 0.00030 and 0.00032; TOPMed 0.00046; 1000 Genomes Project 30x 0.00047; 1000 Genomes Project 0.00060.
gnomAD v4.1: 79 of 1,614,208 alleles (0.0049%); highest among the groups gnomAD compares: African/African-American, 0.092%; no homozygotes.

Submissions (10):

Women's Health and Genetics/Laboratory Corporation of America, LabCorp
Classification: Likely benign. Last evaluated: 2026-04-27. Review status: criteria provided, single submitter. Criteria: LabCorp Variant Classification Summary - May 2015. Collection method: clinical testing. Allele origin: germline.
Comment: Variant summary: DSG2 c.2192A>C (p.Gln731Pro) results in a non-conservative amino acid change in the encoded protein sequence. Algorithms developed to predict the effect of missense changes on protein structure and function are either unavailable or do not agree on the potential impact of this missense change. The variant allele was found at a frequency of 6.8e-05 in 249424 control chromosomes, predominantly at a frequency of 0.001 within the African or African-American subpopulation in the gnomAD database. The observed variant frequency within African or African-American control individuals in the gnomAD database exceeds the estimated maximal expected allele frequency for disease-causing variants in DSG2. c.2192A>C has been observed in individual(s) affected with Cardiomyopathy (e.g. van Lint_2019). These report(s) do not provide unequivocal conclusions about association of the variant with Cardiomyopathy. To our knowledge, no experimental evidence demonstrating an impact on protein function has been reported. The following publication has been ascertained in the context of this evaluation (PMID: 30847666). ClinVar contains an entry for this variant (Variation ID: 222565). Based on the evidence outlined above, the variant was classified as likely benign.

Labcorp Genetics (formerly Invitae), Labcorp
Classification: Likely benign for Arrhythmogenic right ventricular dysplasia 10. Last evaluated: 2026-02-02. Review status: criteria provided, single submitter. Criteria: Invitae Variant Classification Sherloc (09022015). Collection method: clinical testing. Allele origin: germline.

Molecular Diagnostic Laboratory for Inherited Cardiovascular Disease, Montreal Heart Institute
Classification: Likely benign. Last evaluated: 2025-04-09. Review status: criteria provided, single submitter. Criteria: ACMG Guidelines, 2015. Collection method: clinical testing. Allele origin: germline. Affected: no.
Comment: BS1;BS2;BP4

Blueprint Genetics
Classification: Uncertain significance. Last evaluated: 2024-11-05. Review status: criteria provided, single submitter. Criteria: ACMG Guidelines, 2015. Collection method: clinical testing. Allele origin: germline.

Color Diagnostics, LLC DBA Color Health
Classification: Likely benign for Cardiomyopathy. Last evaluated: 2024-05-13. Review status: criteria provided, single submitter. Criteria: ACMG Guidelines, 2015. Collection method: clinical testing. Allele origin: germline.

All of Us Research Program, National Institutes of Health
Classification: Uncertain significance for Arrhythmogenic right ventricular cardiomyopathy. Last evaluated: 2023-12-13. Review status: criteria provided, single submitter. Criteria: ACMG Guidelines, 2015. Collection method: clinical testing. Allele origin: germline. Inheritance: Autosomal dominant inheritance. Observed: 17 variant alleles, 17 heterozygotes.
Comment: This missense variant replaces glutamine with proline at codon 731 of the DSG2 protein. Computational prediction suggests that this variant may not impact protein structure and function (internally defined REVEL score threshold <= 0.5, PMID: 27666373). To our knowledge, functional studies have not been reported for this variant. This variant has not been reported in individuals affected with cardiovascular disorders in the literature. This variant has been identified in 29/280828 chromosomes (27/24200 chromosomes from individuals with African ancestry) in the general population by the Genome Aggregation Database (gnomAD). The relatively high frequency of this variant in the general population suggests that this variant is unlikely to be disease-causing. However, additional studies are necessary to determine the role of this variant in disease conclusively. Therefore, this variant is classified as a Variant of Uncertain Significance.

This study involves interpretation of variants in research participants for the purpose of population health screening. Participant phenotype was not available at the time of variant classification. Additional details can be found in publication PMID: 35346344, PMCID: PMC8962531

Ambry Genetics
Classification: Likely benign for Cardiovascular phenotype. Last evaluated: 2022-12-21. Review status: criteria provided, single submitter. Criteria: Ambry Variant Classification Scheme 2023. Collection method: clinical testing. Allele origin: germline.

GeneDx
Classification: Likely benign. Last evaluated: 2019-08-20. Review status: criteria provided, single submitter. Criteria: GeneDx Variant Classification Process June 2021. Collection method: clinical testing. Allele origin: germline. Affected: yes.
Comment: This variant is associated with the following publications: (PMID: 21636032)

Mayo Clinic Laboratories, Mayo Clinic
Classification: Uncertain significance. Last evaluated: 2019-07-28. Review status: criteria provided, single submitter. Criteria: ACMG Guidelines, 2015. Collection method: clinical testing. Allele origin: germline. Observed: 1 variant allele.

PreventionGenetics, part of Exact Sciences
Classification: Likely benign for DSG2-related condition. Last evaluated: 2023-09-29. Review status: no assertion criteria provided. Collection method: clinical testing. Allele origin: germline. Not counted in ClinVar's aggregate classification.
Comment: This variant is classified as likely benign based on ACMG/AMP sequence variant interpretation guidelines (Richards et al. 2015 PMID: 25741868, with internal and published modifications).

Literature cited by the submitters: PubMed 30847666 (cited by Women's Health and Genetics/Laboratory Corporation of America, LabCorp and Ambry Genetics); PubMed 21636032 (cited by Ambry Genetics).